The following is an entry in ClinVar:

ClinVar aggregate classification (germline): Uncertain significance (1 of 4 stars; one submission).

Conditions:
ASH1L-related disorder. Also called: ASH1L-related condition.

Submission:

PreventionGenetics, part of Exact Sciences
Classification: Uncertain significance for ASH1L-related condition. Last evaluated: 2026-03-01. Review status: criteria provided, single submitter. Criteria: ACMG Guidelines, 2015. Collection method: clinical testing. Allele origin: germline.
Comment: The ASH1L c.812_814delTAA variant is predicted to result in an in-frame deletion (p.Ile271del). To our knowledge, this variant has not been reported in the literature or in a large population database (gnomAD), indicating this variant is rare. At this time, the clinical significance of this variant is uncertain due to the absence of conclusive functional and genetic evidence.

NM_018489.3(ASH1L):c.809TAA[1] (p.Ile271del)

Gene: ASH1L (ASH1 like histone lysine methyltransferase; minus strand). Cytogenetic location: 1q22.
Variant type: Microsatellite.
Coding change: c.809TAA[1] on transcript NM_018489.3 (MANE Select); one copy of the 3-base unit TAA starting at c.809; the reference has two copies in a row; one copy, 3 bases deleted.
Protein change: p.Ile271del; deletes isoleucine 271.
Molecular consequence: inframe deletion.
Genome position (GRCh38, 1-based): chr1:155,482,056-155,482,058, TTA deleted on the plus strand (TAA on the coding strand, the reverse complement: ASH1L is on the minus strand); deleting any 3 consecutive bases within chr1:155,482,056-155,482,061 gives the same sequence; the position shown is the placement nearest the transcript's 3' end. VCF-style (leftmost placement, unchanged base first): chr1-155482055-TTTA-T. GRCh37 (hg19) VCF-style: chr1-155451846-TTTA-T.
Other names: c.809TAA[1], p.Ile271del (NM_001366177.2); short protein forms I271del.
Identifiers: ClinVar variation 4992945 (VCV004992945.1).
Genomic context (GRCh38, chr1:155,482,055, plus strand): 5'-ACTGGCTTTTTCCCAGGATCTTTAGTTACCAATCCAACTGCTGTGCTGATGGTTGGCTTT[TTTA>T]TTAAGTCCTTATGTATTATTCCAGCTACAGAGCCAACACCTGCTTTCCTGATCAAATCCT-3'